The following is an entry in ClinVar:

NM_001358530.2(MOCS1):c.596T>A (p.Val199Asp)

Gene: MOCS1 (molybdenum cofactor synthesis 1; minus strand). Cytogenetic location: 6p21.2.
Variant type: single nucleotide variant.
Coding change: c.596T>A on transcript NM_001358530.2 (MANE Select); coding-DNA position 596, T replaced by A.
Protein change: p.Val199Asp; replaces valine 199 with aspartic acid.
Molecular consequence: missense variant. On other transcripts: non-coding transcript variant (1).
Genome position (GRCh38, 1-based): chr6:39,913,823, A>T on the plus strand (T>A on the coding strand, the complement: MOCS1 is on the minus strand). VCF-style: chr6-39913823-A-T. GRCh37 (hg19) VCF-style: chr6-39881567-A-T.
Other names: c.596T>A, p.Val199Asp (NM_001075098.4, NM_001358529.2, NM_005943.6); c.335T>A, p.Val112Asp (NM_001358531.2, NM_001358533.2, NM_001358534.2); short protein forms V199D, V112D.
Identifiers: ClinVar variation 1497498 (VCV001497498.8), dbSNP rs2149404743, ClinGen allele CA364044227.

ClinVar aggregate classification (germline): Uncertain significance (1 of 4 stars; one submission).

Conditions:
Sulfite oxidase deficiency due to molybdenum cofactor deficiency type A. Also called: Molybdenum cofactor deficiency, complementation group A; Molybdenum Cofactor Deficiency A. Identifiers: Orphanet 308386, Orphanet 833, MedGen C1854988, MONDO:0009643, OMIM 252150.

Submission:

Labcorp Genetics (formerly Invitae), Labcorp
Classification: Uncertain significance for Sulfite oxidase deficiency due to molybdenum cofactor deficiency type A. Last evaluated: 2024-10-08. Review status: criteria provided, single submitter. Criteria: Invitae Variant Classification Sherloc (09022015). Collection method: clinical testing. Allele origin: germline.
Comment: This sequence change replaces valine, which is neutral and non-polar, with aspartic acid, which is acidic and polar, at codon 199 of the MOCS1 protein (p.Val199Asp). This variant is not present in population databases (gnomAD no frequency). This variant has not been reported in the literature in individuals affected with MOCS1-related conditions. ClinVar contains an entry for this variant (Variation ID: 1497498). An algorithm developed to predict the effect of missense changes on protein structure and function (PolyPhen-2) suggests that this variant is likely to be disruptive. In summary, the available evidence is currently insufficient to determine the role of this variant in disease. Therefore, it has been classified as a Variant of Uncertain Significance.